The following is an entry in ClinVar:

NM_172201.2(KCNE2):c.310del (p.Glu104fs)

Genes: KCNE2 (potassium voltage-gated channel subfamily E regulatory subunit 2; plus strand), LOC105372791 (uncharacterized LOC105372791; minus strand). Cytogenetic location: 21q22.11.
Variant type: Deletion.
Coding change: c.310del on transcript NM_172201.2 (MANE Select); coding-DNA position 310, one base deleted (G; older notation c.310delG).
Protein change: p.Glu104fs; shifts the reading frame from glutamic acid 104.
Molecular consequence: frameshift variant. On other transcripts: non-coding transcript variant (2).
Genome position (GRCh38, 1-based): chr21:34,370,788, G deleted. VCF-style (leftmost placement, unchanged base first): chr21-34370787-AG-A. GRCh37 (hg19) VCF-style: chr21-35743086-AG-A.
Other names: c.310delG, p.Glu104Lysfs (NM_172201.1); short protein forms E104fs.
Identifiers: ClinVar variation 3774121 (VCV003774121.1).

ClinVar aggregate classification (germline): Uncertain significance (1 of 4 stars; one submission).

Submission:

GeneDx
Classification: Uncertain significance. Last evaluated: 2024-09-19. Review status: criteria provided, single submitter. Criteria: GeneDx Variant Classification Process June 2021. Collection method: clinical testing. Allele origin: germline. Affected: yes.
Comment: Frameshift variant predicted to result in abnormal protein length as the last 20 amino acids are replaced with 30 different amino acids; Not observed at significant frequency in large population cohorts (gnomAD); Has not been previously published as pathogenic or benign to our knowledge